The following is an entry in ClinVar:

NM_152468.5(TMC8):c.883C>T (p.Arg295Cys)

Gene: TMC8 (transmembrane channel like 8; plus strand). Cytogenetic location: 17q25.3.
Variant type: single nucleotide variant.
Coding change: c.883C>T on transcript NM_152468.5 (MANE Select); coding-DNA position 883, C replaced by T.
Protein change: p.Arg295Cys; replaces arginine 295 with cysteine.
Molecular consequence: missense variant.
Genome position (GRCh38, 1-based): chr17:78,134,460, C>T. VCF-style: chr17-78134460-C-T. GRCh37 (hg19) VCF-style: chr17-76130541-C-T.
Other names: short protein forms R295C.
Identifiers: ClinVar variation 3652857 (VCV003652857.2).

ClinVar aggregate classification (germline): Uncertain significance (1 of 4 stars; one submission).

Conditions:
Epidermodysplasia verruciformis. Identifiers: Orphanet 302, MedGen C0014522, MONDO:0009176.

Submission:

Labcorp Genetics (formerly Invitae), Labcorp
Classification: Uncertain significance for Epidermodysplasia verruciformis. Last evaluated: 2024-04-25. Review status: criteria provided, single submitter. Criteria: Invitae Variant Classification Sherloc (09022015). Collection method: clinical testing. Allele origin: germline.
Comment: This sequence change replaces arginine, which is basic and polar, with cysteine, which is neutral and slightly polar, at codon 295 of the TMC8 protein (p.Arg295Cys). This variant is present in population databases (rs760798878, gnomAD 0.004%). This variant has not been reported in the literature in individuals affected with TMC8-related conditions. Advanced modeling of protein sequence and biophysical properties (such as structural, functional, and spatial information, amino acid conservation, physicochemical variation, residue mobility, and thermodynamic stability) performed at Invitae indicates that this missense variant is not expected to disrupt TMC8 protein function with a negative predictive value of 80%. In summary, the available evidence is currently insufficient to determine the role of this variant in disease. Therefore, it has been classified as a Variant of Uncertain Significance.